The following is an entry in ClinVar:

NM_000038.6(APC):c.5326G>A (p.Val1776Ile)

Gene: APC (APC regulator of Wnt signaling pathway; plus strand). Cytogenetic location: 5q22.2.
Variant type: single nucleotide variant.
Coding change: c.5326G>A on transcript NM_000038.6 (MANE Select); coding-DNA position 5326, G replaced by A.
Protein change: p.Val1776Ile; replaces valine 1776 with isoleucine.
Molecular consequence: missense variant.
Genome position (GRCh38, 1-based): chr5:112,840,920, G>A. VCF-style: chr5-112840920-G-A. GRCh37 (hg19) VCF-style: chr5-112176617-G-A.
Other names: c.5326G>A, p.Val1776Ile (NM_001354895.2, NM_001127510.3); c.5380G>A, p.Val1794Ile (NM_001354896.2); c.5356G>A, p.Val1786Ile (NM_001354897.2); c.5251G>A, p.Val1751Ile (NM_001354898.2); c.5242G>A, p.Val1748Ile (NM_001354899.2); c.5272G>A, p.Val1758Ile (NM_001127511.3); c.5203G>A, p.Val1735Ile (NM_001354900.2); c.5149G>A, p.Val1717Ile (NM_001354901.2); and 5 more; short protein forms V1758I, V1776I, V1748I, V1616I, V1675I, V1786I, V1685I, V1717I.
Identifiers: ClinVar variation 490304 (VCV000490304.17), dbSNP rs768168290, ClinGen allele CA041569.

ClinVar aggregate classification (germline): Uncertain significance. Review status: criteria provided, multiple submitters, no conflicts (2 of 4 stars). 3 submissions from 3 submitters: Uncertain significance (3). Last evaluated 2025-09-11.

Conditions:
Familial adenomatous polyposis 1 (FAP1). Also called: POLYPOSIS, ADENOMATOUS INTESTINAL; FAMILIAL ADENOMATOUS POLYPOSIS 1, ATTENUATED. Identifiers: MedGen C2713442, MONDO:0021056, OMIM 175100. Disease mechanism: loss of function.
Hereditary cancer-predisposing syndrome. Also called: Hereditary Cancer Syndrome; Neoplastic Syndromes, Hereditary; Tumor predisposition; Hereditary neoplastic syndrome. Identifiers: Orphanet 140162, MedGen C0027672, MeSH D009386, MONDO:0015356.

Allele frequency attached by ClinVar (database versions not stated): gnomAD exomes below 0.00001; TOPMed below 0.00001; ExAC 0.00001; gnomAD 0.00001.
gnomAD v4.1: 1 of 1,613,750 alleles (0.000062%); highest among the groups gnomAD compares: African/African-American, 0.0013%; no homozygotes.

Submissions (3):

Color Diagnostics, LLC DBA Color Health
Classification: Uncertain significance for Hereditary cancer-predisposing syndrome. Last evaluated: 2025-09-11. Review status: criteria provided, single submitter. Criteria: ACMG Guidelines, 2015. Collection method: clinical testing. Allele origin: germline.
Comment: This missense variant replaces valine with isoleucine at codon 1776 of the APC protein. Computational prediction suggests that this variant may not impact protein structure and function. APC is defined as a gene for which primarily truncating variants are known to cause disease (ClinGen HCCP VCEP). To our knowledge, functional studies have not been reported for this variant. This variant has not been reported in individuals affected with APC-related disorders in the literature. This variant has been identified in 1/250662 chromosomes in the general population by the Genome Aggregation Database (gnomAD). The available evidence is insufficient to determine the role of this variant in disease conclusively. Therefore, this variant is classified as a Variant of Uncertain Significance.

Ambry Genetics
Classification: Uncertain significance for Hereditary cancer-predisposing syndrome. Last evaluated: 2025-09-07. Review status: criteria provided, single submitter. Criteria: Ambry Variant Classification Scheme 2023. Collection method: clinical testing. Allele origin: germline.
Comment: The p.V1776I variant (also known as c.5326G>A), located in coding exon 15 of the APC gene, results from a G to A substitution at nucleotide position 5326. The valine at codon 1776 is replaced by isoleucine, an amino acid with highly similar properties. This amino acid position is highly conserved in available vertebrate species. In addition, in silico predictors for this gene do not accurately predict pathogenicity. Since supporting evidence is limited at this time, the clinical significance of this alteration remains unclear.

Labcorp Genetics (formerly Invitae), Labcorp
Classification: Uncertain significance for Familial adenomatous polyposis 1. Last evaluated: 2024-06-28. Review status: criteria provided, single submitter. Criteria: Invitae Variant Classification Sherloc (09022015). Collection method: clinical testing. Allele origin: germline.
Comment: This sequence change replaces valine, which is neutral and non-polar, with isoleucine, which is neutral and non-polar, at codon 1776 of the APC protein (p.Val1776Ile). This variant is present in population databases (rs768168290, gnomAD 0.007%). This variant has not been reported in the literature in individuals affected with APC-related conditions. ClinVar contains an entry for this variant (Variation ID: 490304). Advanced modeling of protein sequence and biophysical properties (such as structural, functional, and spatial information, amino acid conservation, physicochemical variation, residue mobility, and thermodynamic stability) performed at Invitae indicates that this missense variant is not expected to disrupt APC protein function with a negative predictive value of 95%. In summary, the available evidence is currently insufficient to determine the role of this variant in disease. Therefore, it has been classified as a Variant of Uncertain Significance.